The following is an entry in ClinVar:

NM_004260.4(RECQL4):c.1704+1G>A

Gene: RECQL4 (RecQ like helicase 4; minus strand). Cytogenetic location: 8q24.3.
Variant type: single nucleotide variant.
Coding change: c.1704+1G>A on transcript NM_004260.4 (MANE Select); the canonical splice donor site of the intron after coding-DNA position 1704, G replaced by A.
Molecular consequence: splice donor variant.
Genome position (GRCh38, 1-based): chr8:144,514,441, C>T on the plus strand (G>A on the coding strand, the complement: RECQL4 is on the minus strand). VCF-style: chr8-144514441-C-T. GRCh37 (hg19) VCF-style: chr8-145739825-C-T.
Other names: IVS10DS, G-A, +1; c.1575+1G>A (NM_001413025.1); c.1353+1G>A (NM_001413029.1); c.567+1G>A (NM_001413032.1, NM_001413027.1, NM_001413031.1 and 2 more transcripts); c.633+1G>A (NM_001413035.1, NM_001413040.1, NM_001413021.1 and 7 more transcripts); c.1608+1G>A (NM_001413017.1, NM_001413020.1); c.1674+1G>A (NM_001413039.1); c.1704+1G>A (NM_001413033.1, NM_001413018.1, NM_001413036.1 and 1 more transcripts); and 2 more.
Identifiers: ClinVar variation 6077 (VCV000006077.11), dbSNP rs760363252, ClinGen allele CA253761.

ClinVar aggregate classification (germline): Pathogenic/Likely pathogenic. Review status: criteria provided, multiple submitters, no conflicts (2 of 4 stars). 3 submissions from 3 submitters: Pathogenic (1); Likely pathogenic (1). 1 of the submissions does not count toward it. Last evaluated 2022-10-04.

Conditions:
Rothmund-Thomson syndrome type 2 (RTS2). Identifiers: Orphanet 221016, MedGen C5203410, MONDO:0016369, OMIM 268400.
Baller-Gerold syndrome (BGS). Also called: CRANIOSYNOSTOSIS WITH RADIAL DEFECTS. Identifiers: Orphanet 1225, MedGen C0265308, MONDO:0009039, OMIM 218600.

Allele frequency attached by ClinVar (database versions not stated): gnomAD exomes below 0.00001; ExAC 0.00001.

Submissions (3):

Labcorp Genetics (formerly Invitae), Labcorp
Classification: Likely pathogenic for Baller-Gerold syndrome. Last evaluated: 2022-10-04. Review status: criteria provided, single submitter. Criteria: Invitae Variant Classification Sherloc (09022015). Collection method: clinical testing. Allele origin: germline.
Comment: This sequence change affects a donor splice site in intron 10 of the RECQL4 gene. It is expected to disrupt RNA splicing. Variants that disrupt the donor or acceptor splice site typically lead to a loss of protein function (PMID: 16199547), and loss-of-function variants in RECQL4 are known to be pathogenic (PMID: 12734318, 12952869). In summary, the currently available evidence indicates that the variant is pathogenic, but additional data are needed to prove that conclusively. Therefore, this variant has been classified as Likely Pathogenic. Algorithms developed to predict the effect of sequence changes on RNA splicing suggest that this variant may disrupt the consensus splice site. ClinVar contains an entry for this variant (Variation ID: 6077). Disruption of this splice site has been observed in individual(s) with Rothmund-Thomson syndrome (PMID: 20503338). This variant is present in population databases (rs760363252, gnomAD 0.0009%).

Eurofins Ntd Llc (ga)
Classification: Pathogenic. Last evaluated: 2016-10-27. Review status: criteria provided, single submitter. Criteria: EGL Classification Definitions 2015. Collection method: clinical testing. Allele origin: germline. Observed: 1 variant allele, 1 heterozygote.

OMIM
Classification: Pathogenic for ROTHMUND-THOMSON SYNDROME, TYPE 2. Last evaluated: 2010-06-01. Review status: no assertion criteria provided. Collection method: literature only. Allele origin: germline. Not counted in ClinVar's aggregate classification.

Literature cited by the submitters: PubMed 16199547 (cited by Labcorp Genetics (formerly Invitae), Labcorp); PubMed 12734318 (cited by Labcorp Genetics (formerly Invitae), Labcorp); PubMed 12952869 (cited by Labcorp Genetics (formerly Invitae), Labcorp); PubMed 20503338 (cited by Labcorp Genetics (formerly Invitae), Labcorp and OMIM).